The following is an entry in ClinVar:

ClinVar aggregate classification (germline): Conflicting classifications of pathogenicity. Review status: criteria provided, conflicting classifications (1 of 4 stars). 3 submissions from 3 submitters: Uncertain significance (2); Likely benign (1). Last evaluated 2025-12-01.

Conditions:
Inborn genetic diseases. Identifiers: MedGen C0950123, MeSH D030342.
Stickler syndrome type 2 (STL2). Also called: STICKLER SYNDROME, BEADED VITREOUS TYPE; STICKLER SYNDROME, VITREOUS TYPE 2; STICKLER SYNDROME, TYPE II; COL11A1-Related Stickler Syndrome. Identifiers: Orphanet 828, Orphanet 90654, MedGen C1858084, MONDO:0011493, OMIM 604841.
Fibrochondrogenesis 1 (FBCG1). Identifiers: Orphanet 2021, MedGen C3278138, MONDO:0009226, OMIM 228520.
Marshall syndrome (MRSHS). Identifiers: Orphanet 560, MedGen C0265235, MONDO:0007949, OMIM 154780.

Allele frequency attached by ClinVar (database versions not stated): gnomAD exomes 0.00001 and 0.00004; ExAC 0.00003; gnomAD 0.00004 and 0.00006; TOPMed 0.00016.
gnomAD v4.1: 26 of 1,613,946 alleles (0.0016%); highest among the groups gnomAD compares: Admixed American, 0.018%; 1 homozygote.

Submissions (3):

Labcorp Genetics (formerly Invitae), Labcorp
Classification: Likely benign. Last evaluated: 2025-12-01. Review status: criteria provided, single submitter. Criteria: Invitae Variant Classification Sherloc (09022015). Collection method: clinical testing. Allele origin: germline.

GeneDx
Classification: Uncertain significance. Last evaluated: 2025-02-23. Review status: criteria provided, single submitter. Criteria: GeneDx Variant Classification Process June 2021. Collection method: clinical testing. Allele origin: germline. Affected: yes.
Comment: In silico analysis supports that this missense variant has a deleterious effect on protein structure/function; Has not been previously published as pathogenic or benign to our knowledge

Ambry Genetics
Classification: Uncertain significance for Inborn genetic diseases. Last evaluated: 2023-11-14. Review status: criteria provided, single submitter. Criteria: Ambry Variant Classification Scheme 2023. Collection method: clinical testing. Allele origin: germline.

NM_001854.4(COL11A1):c.2644C>T (p.Arg882Cys)

Gene: COL11A1 (collagen type XI alpha 1 chain; minus strand). Cytogenetic location: 1p21.1.
Variant type: single nucleotide variant.
Coding change: c.2644C>T on transcript NM_001854.4 (MANE Select); coding-DNA position 2644, C replaced by T.
Protein change: p.Arg882Cys; replaces arginine 882 with cysteine.
Molecular consequence: missense variant. On other transcripts: non-coding transcript variant (1).
Genome position (GRCh38, 1-based): chr1:102,979,071, G>A on the plus strand (C>T on the coding strand, the complement: COL11A1 is on the minus strand). VCF-style: chr1-102979071-G-A. GRCh37 (hg19) VCF-style: chr1-103444627-G-A.
Other names: c.2527C>T, p.Arg843Cys (NM_001190709.2); c.2680C>T, p.Arg894Cys (NM_080629.3); c.2296C>T, p.Arg766Cys (NM_080630.4); short protein forms R766C, R843C, R882C, R894C.
Identifiers: ClinVar variation 1300948 (VCV001300948.16), dbSNP rs749003514, ClinGen allele CA974348.